The following is an entry in ClinVar:

ClinVar aggregate classification (germline): Uncertain significance. Review status: criteria provided, multiple submitters, no conflicts (2 of 4 stars). 4 submissions from 4 submitters: Uncertain significance (4). Last evaluated 2026-02-16.

Conditions:
Inborn genetic diseases. Identifiers: MedGen C0950123, MeSH D030342.

Allele frequency attached by ClinVar (database versions not stated): TOPMed 0.00014; ESP Exome Variant Server 0.00015; gnomAD 0.00015 and 0.00016; gnomAD exomes 0.00030; ExAC 0.00045.
gnomAD v4.1: 257 of 1,596,504 alleles (0.016%); highest among the groups gnomAD compares: Non-Finnish European, 0.017%; no homozygotes.

Submissions (4):

Women's Health and Genetics/Laboratory Corporation of America, LabCorp
Classification: Uncertain significance. Last evaluated: 2026-02-16. Review status: criteria provided, single submitter. Criteria: LabCorp Variant Classification Summary - May 2015. Collection method: clinical testing. Allele origin: germline.
Comment: Variant summary: MCM3AP c.1693C>A (p.Leu565Ile) results in a conservative amino acid change in the encoded protein sequence. Algorithms developed to predict the effect of missense changes on protein structure and function all suggest that this variant is likely to be tolerated. The variant allele was found at a frequency of 0.0003 in 236116 control chromosomes. This frequency is not significantly higher than estimated for disease-causing variants in MCM3AP, allowing no conclusion about variant significance. To our knowledge, no occurrence of c.1693C>A in individuals affected with MCM3AP-related conditions and no experimental evidence demonstrating its impact on protein function have been reported. ClinVar contains an entry for this variant (Variation ID: 1384921). Based on the evidence outlined above, the variant was classified as uncertain significance.

CeGaT Center for Human Genetics Tuebingen
Classification: Uncertain significance. Last evaluated: 2025-01-01. Review status: criteria provided, single submitter. Criteria: CeGaT Center For Human Genetics Tuebingen Variant Classification Criteria Version 2. Collection method: clinical testing. Allele origin: germline. Affected: yes. Observed: 1 variant allele.
Comment: MCM3AP: PM2, BP4

Ambry Genetics
Classification: Uncertain significance for Inborn genetic diseases. Last evaluated: 2023-09-20. Review status: criteria provided, single submitter. Criteria: Ambry Variant Classification Scheme 2023. Collection method: clinical testing. Allele origin: germline.

Labcorp Genetics (formerly Invitae), Labcorp
Classification: Uncertain significance. Last evaluated: 2022-06-22. Review status: criteria provided, single submitter. Criteria: Invitae Variant Classification Sherloc (09022015). Collection method: clinical testing. Allele origin: germline.
Comment: This sequence change replaces leucine, which is neutral and non-polar, with isoleucine, which is neutral and non-polar, at codon 565 of the MCM3AP protein (p.Leu565Ile). This variant is present in population databases (rs200631661, gnomAD 0.06%). This variant has not been reported in the literature in individuals affected with MCM3AP-related conditions. Algorithms developed to predict the effect of missense changes on protein structure and function are either unavailable or do not agree on the potential impact of this missense change (SIFT: "Tolerated"; PolyPhen-2: "Possibly Damaging"; Align-GVGD: "Class C0"). In summary, the available evidence is currently insufficient to determine the role of this variant in disease. Therefore, it has been classified as a Variant of Uncertain Significance.

NM_003906.5(MCM3AP):c.1693C>A (p.Leu565Ile)

Gene: MCM3AP (minichromosome maintenance complex component 3 associated protein; minus strand). Cytogenetic location: 21q22.3.
Variant type: single nucleotide variant.
Coding change: c.1693C>A on transcript NM_003906.5 (MANE Select); coding-DNA position 1693, C replaced by A.
Protein change: p.Leu565Ile; replaces leucine 565 with isoleucine.
Molecular consequence: missense variant.
Genome position (GRCh38, 1-based): chr21:46,277,692, G>T on the plus strand (C>A on the coding strand, the complement: MCM3AP is on the minus strand). VCF-style: chr21-46277692-G-T. GRCh37 (hg19) VCF-style: chr21-47697606-G-T.
Other names: c.1693C>A (NM_003906.3); short protein forms L565I.
Identifiers: ClinVar variation 1384921 (VCV001384921.18), dbSNP rs200631661, ClinGen allele CA10077000.